The following is an entry in ClinVar:

ClinVar aggregate classification (germline): Benign/Likely benign. Review status: criteria provided, multiple submitters, no conflicts (2 of 4 stars). 11 submissions from 11 submitters: Benign (3); Likely benign (7). 1 of the submissions does not count toward it. Last evaluated 2026-08-01.

Conditions:
TUSC3-related disorder. Also called: TUSC3-related condition.
Inborn genetic diseases. Identifiers: MedGen C0950123, MeSH D030342.
Congenital disorder of glycosylation (CDG). Also called: Congenital disorders of glycosylation; Carbohydrate-deficient glycoprotein syndrome. Identifiers: Orphanet 137, MedGen C0282577, MONDO:0015286.
Intellectual developmental disorder, autosomal recessive 7. Also called: Intellectual disability, autosomal recessive 7. Identifiers: Orphanet 88616, MedGen C1970197, MONDO:0012615, OMIM 611093.

Allele frequency attached by ClinVar (database versions not stated): 1000 Genomes Project 30x 0.00141; 1000 Genomes Project 0.00160; gnomAD 0.00572 and 0.00605; TOPMed 0.00597; ExAC 0.00646; ESP Exome Variant Server 0.00646; gnomAD exomes 0.00664 and 0.00715.
gnomAD v4.1: 11,350 of 1,613,952 alleles (0.7%); highest among the groups gnomAD compares: Non-Finnish European, 0.77%; 56 homozygotes.

Submissions (11):

CeGaT Center for Human Genetics Tuebingen
Classification: Likely benign. Last evaluated: 2026-08-01. Review status: criteria provided, single submitter. Criteria: CeGaT Center For Human Genetics Tuebingen Variant Classification Criteria Version 2. Collection method: clinical testing. Allele origin: germline. Affected: yes. Observed: 33 variant alleles.
Comment: TUSC3: BP4, BS2

Labcorp Genetics (formerly Invitae), Labcorp
Classification: Benign for Intellectual developmental disorder, autosomal recessive 7. Last evaluated: 2026-01-26. Review status: criteria provided, single submitter. Criteria: Invitae Variant Classification Sherloc (09022015). Collection method: clinical testing. Allele origin: germline.

GeneDx
Classification: Likely benign. Last evaluated: 2020-03-31. Review status: criteria provided, single submitter. Criteria: GeneDx Variant Classification Process June 2021. Collection method: clinical testing. Allele origin: germline. Affected: yes.

Mendelics
Classification: Likely benign for Intellectual developmental disorder, autosomal recessive 7. Last evaluated: 2019-05-28. Review status: criteria provided, single submitter. Criteria: Mendelics Assertion Criteria 2017. Collection method: clinical testing. Allele origin: unknown.

Ambry Genetics
Classification: Likely benign for Inborn genetic diseases. Last evaluated: 2018-08-18. Review status: criteria provided, single submitter. Criteria: Ambry Variant Classification Scheme 2023. Collection method: clinical testing. Allele origin: germline.

Illumina Laboratory Services, Illumina
Classification: Likely benign for Congenital disorder of glycosylation. Last evaluated: 2018-01-13. Review status: criteria provided, single submitter. Criteria: ICSL Variant Classification Criteria 13 December 2019. Collection method: clinical testing. Allele origin: germline.
Comment: This variant was observed in the ICSL laboratory as part of a predisposition screen in an ostensibly healthy population. It had not been previously curated by ICSL or reported in the Human Gene Mutation Database (HGMD: prior to June 1st, 2018), and was therefore a candidate for classification through an automated scoring system. Utilizing variant allele frequency, disease prevalence and penetrance estimates, and inheritance mode, an automated score was calculated to assess if this variant is too frequent to cause the disease. Based on the score and internal cut-off values, a variant classified as likely benign is not then subjected to further curation. The score for this variant resulted in a classification of likely benign for this disease.

Genetic Services Laboratory, University of Chicago
Classification: Benign. Last evaluated: 2017-01-11. Review status: criteria provided, single submitter. Criteria: ACMG Guidelines, 2015. Collection method: clinical testing. Allele origin: germline. Affected: no.

Center for Pediatric Genomic Medicine, Children's Mercy Hospital and Clinics
Classification: Likely benign. Last evaluated: 2016-09-14. Review status: criteria provided, single submitter. Criteria: ACMG Guidelines, 2015. Collection method: clinical testing. Allele origin: germline.
ClinVar note: Converted during submission from Likely Benign to Likely benign.

Eurofins Ntd Llc (ga)
Classification: Benign. Last evaluated: 2015-05-01. Review status: criteria provided, single submitter. Criteria: EGL Classification Definitions 2015. Collection method: clinical testing. Allele origin: germline. Observed: 1 variant allele, 1 heterozygote.

Breakthrough Genomics
Classification: Likely benign. Review status: criteria provided, single submitter. Criteria: ACMG Guidelines, 2015. Collection method: not provided. Allele origin: germline. Inheritance: Autosomal recessive inheritance. Affected: yes.

PreventionGenetics, part of Exact Sciences
Classification: Benign for TUSC3-related condition. Last evaluated: 2019-10-15. Review status: no assertion criteria provided. Collection method: clinical testing. Allele origin: germline. Not counted in ClinVar's aggregate classification.
Comment: This variant is classified as benign based on ACMG/AMP sequence variant interpretation guidelines (Richards et al. 2015 PMID: 25741868, with internal and published modifications).

NM_006765.4(TUSC3):c.193A>G (p.Ile65Val)

Gene: TUSC3 (tumor suppressor candidate 3; plus strand). Cytogenetic location: 8p22.
Variant type: single nucleotide variant.
Coding change: c.193A>G on transcript NM_006765.4 (MANE Select); coding-DNA position 193, A replaced by G.
Protein change: p.Ile65Val; replaces isoleucine 65 with valine.
Molecular consequence: missense variant.
Genome position (GRCh38, 1-based): chr8:15,623,134, A>G. VCF-style: chr8-15623134-A-G. GRCh37 (hg19) VCF-style: chr8-15480643-A-G.
Other names: c.193A>G, p.Ile65Val (NM_001356429.2, NM_178234.2); short protein forms I65V.
Identifiers: ClinVar variation 130692 (VCV000130692.54), dbSNP rs11545035, ClinGen allele CA201651.